The following is an entry in ClinVar:

ClinVar aggregate classification (germline): Conflicting classifications of pathogenicity. Review status: criteria provided, conflicting classifications (1 of 4 stars). 2 submissions from 2 submitters: Uncertain significance (1); Likely benign (1). Last evaluated 2025-12-19.

Allele frequency attached by ClinVar (database versions not stated): gnomAD exomes 0.00001 and 0.00002; TOPMed 0.00001.
gnomAD v4.1: 13 of 1,210,911 alleles (0.0011%); highest among the groups gnomAD compares: Non-Finnish European, 0.0011%; no homozygotes.

Submissions (2):

Labcorp Genetics (formerly Invitae), Labcorp
Classification: Uncertain significance. Last evaluated: 2025-12-19. Review status: criteria provided, single submitter. Criteria: Invitae Variant Classification Sherloc (09022015). Collection method: clinical testing. Allele origin: germline.
Comment: This sequence change replaces serine, which is neutral and polar, with phenylalanine, which is neutral and non-polar, at codon 473 of the NEXMIF protein (p.Ser473Phe). This variant is present in population databases (no rsID available, gnomAD 0.003%), including at least one homozygous and/or hemizygous individual. This variant has not been reported in the literature in individuals affected with NEXMIF-related conditions. ClinVar contains an entry for this variant (Variation ID: 968540). An algorithm developed to predict the effect of missense changes on protein structure and function (PolyPhen-2) suggests that this variant is likely to be tolerated. In summary, the available evidence is currently insufficient to determine the role of this variant in disease. Therefore, it has been classified as a Variant of Uncertain Significance.

CeGaT Center for Human Genetics Tuebingen
Classification: Likely benign. Last evaluated: 2023-04-01. Review status: criteria provided, single submitter. Criteria: CeGaT Center For Human Genetics Tuebingen Variant Classification Criteria Version 2. Collection method: clinical testing. Allele origin: germline. Affected: yes. Observed: 1 variant allele.
Comment: NEXMIF: BP4, BS2

NM_001008537.3(NEXMIF):c.1418C>T (p.Ser473Phe)

Gene: NEXMIF (neurite extension and migration factor; minus strand). Cytogenetic location: Xq13.3.
Variant type: single nucleotide variant.
Coding change: c.1418C>T on transcript NM_001008537.3 (MANE Select); coding-DNA position 1418, C replaced by T.
Protein change: p.Ser473Phe; replaces serine 473 with phenylalanine.
Molecular consequence: missense variant.
Genome position (GRCh38, 1-based): chrX:74,743,139, G>A on the plus strand (C>T on the coding strand, the complement: NEXMIF is on the minus strand). VCF-style: chrX-74743139-G-A. GRCh37 (hg19) VCF-style: chrX-73962974-G-A.
Other names: short protein forms S473F.
Identifiers: ClinVar variation 968540 (VCV000968540.34), dbSNP rs1305966854, ClinGen allele CA413670550.